The following is an entry in ClinVar:

ClinVar aggregate classification (germline): Uncertain significance (1 of 4 stars; one submission).

Conditions:
Nemaline myopathy 2 (NEM2). Also called: Nemaline myopathy 2, autosomal recessive. Identifiers: MedGen C1850569, MONDO:0009725, OMIM 256030.

gnomAD v4.1: 4 of 1,613,148 alleles (0.00025%); highest among the groups gnomAD compares: Non-Finnish European, 0.00034%; no homozygotes.

Submission:

Labcorp Genetics (formerly Invitae), Labcorp
Classification: Uncertain significance for Nemaline myopathy 2. Last evaluated: 2025-10-10. Review status: criteria provided, single submitter. Criteria: Invitae Variant Classification Sherloc (09022015). Collection method: clinical testing. Allele origin: germline.
Comment: This sequence change replaces proline, which is neutral and non-polar, with leucine, which is neutral and non-polar, at codon 1416 of the NEB protein (p.Pro1416Leu). This variant is not present in population databases (gnomAD no frequency). This variant has not been reported in the literature in individuals affected with NEB-related conditions. Experimental studies and prediction algorithms are not available or were not evaluated, and the functional significance of this variant is currently unknown. In summary, the available evidence is currently insufficient to determine the role of this variant in disease. Therefore, it has been classified as a Variant of Uncertain Significance.

NM_001164508.2(NEB):c.4247C>T (p.Pro1416Leu)

Gene: NEB (nebulin; minus strand). Cytogenetic location: 2q23.3.
Variant type: single nucleotide variant.
Coding change: c.4247C>T on transcript NM_001164508.2 (MANE Select); coding-DNA position 4247, C replaced by T.
Protein change: p.Pro1416Leu; replaces proline 1416 with leucine.
Molecular consequence: missense variant.
Genome position (GRCh38, 1-based): chr2:151,672,421, G>A on the plus strand (C>T on the coding strand, the complement: NEB is on the minus strand). VCF-style: chr2-151672421-G-A. GRCh37 (hg19) VCF-style: chr2-152528935-G-A.
Other names: c.4247C>T, p.Pro1416Leu (NM_001164507.2, NM_001271208.2, NM_004543.5); short protein forms P1416L.
Identifiers: ClinVar variation 4798762 (VCV004798762.1).